The following is an entry in ClinVar:

ClinVar aggregate classification (germline): Uncertain significance (1 of 4 stars; one submission).

Conditions:
Intellectual disability, X-linked, with or without seizures, ARX-related. Also called: Mental retardation, X-linked 52; INTELLECTUAL DEVELOPMENTAL DISORDER, X-LINKED 29; MENTAL RETARDATION, X-LINKED 29; MENTAL RETARDATION, X-LINKED 32; MENTAL RETARDATION, X-LINKED 33; MENTAL RETARDATION, X-LINKED 38. Identifiers: Orphanet 777, MedGen C0796244, MONDO:0010317, OMIM 300419.

Submission:

Neuberg Centre For Genomic Medicine, NCGM
Classification: Uncertain significance for Intellectual disability, X-linked, with or without seizures, ARX-related. Review status: criteria provided, single submitter. Criteria: ACMG Guidelines, 2015. Collection method: clinical testing. Allele origin: germline. Affected: yes.
Comment: The missense variant p.D30E in ARX (NM_139058.3) has not been reported previously as a pathogenic variant nor as a benign variant, to our knowledge. The p.D30E variant is novel (not in any individuals) in gnomAD Exomes and is novel (not in any individuals) in 1000 Genomes. The glutamic acid residue at codon 30 of ARX is present in David's myotis bat and 2 other mammalian species. For these reasons, this variant has been classified as Uncertain Significance.

NM_139058.3(ARX):c.90C>G (p.Asp30Glu)

Gene: ARX (aristaless related homeobox; minus strand). Cytogenetic location: Xp21.3.
Variant type: single nucleotide variant.
Coding change: c.90C>G on transcript NM_139058.3 (MANE Select); coding-DNA position 90, C replaced by G.
Protein change: p.Asp30Glu; replaces aspartic acid 30 with glutamic acid.
Molecular consequence: missense variant.
Genome position (GRCh38, 1-based): chrX:25,015,648, G>C on the plus strand (C>G on the coding strand, the complement: ARX is on the minus strand). VCF-style: chrX-25015648-G-C. GRCh37 (hg19) VCF-style: chrX-25033765-G-C.
Other names: short protein forms D30E.
Identifiers: ClinVar variation 1339064 (VCV001339064.2), dbSNP rs2147325437, ClinGen allele CA412613917.